The following is an entry in ClinVar:

ClinVar aggregate classification (germline): Uncertain significance (1 of 4 stars; one submission).

Allele frequency attached by ClinVar (database versions not stated): gnomAD 0.00001; ExAC 0.00002; TOPMed 0.00002.
gnomAD v4.1: 5 of 1,612,960 alleles (0.00031%); highest among the groups gnomAD compares: African/African-American, 0.0027%; no homozygotes.

Submission:

Labcorp Genetics (formerly Invitae), Labcorp
Classification: Uncertain significance. Last evaluated: 2022-02-09. Review status: criteria provided, single submitter. Criteria: Invitae Variant Classification Sherloc (09022015). Collection method: clinical testing. Allele origin: germline.
Comment: In summary, the available evidence is currently insufficient to determine the role of this variant in disease. Therefore, it has been classified as a Variant of Uncertain Significance. Algorithms developed to predict the effect of missense changes on protein structure and function (SIFT, PolyPhen-2, Align-GVGD) all suggest that this variant is likely to be disruptive. This variant has not been reported in the literature in individuals affected with ACAN-related conditions. This variant is present in population databases (rs759677135, gnomAD 0.007%). This sequence change replaces threonine, which is neutral and polar, with methionine, which is neutral and non-polar, at codon 2439 of the ACAN protein (p.Thr2439Met).

NM_001369268.1(ACAN):c.7430C>T (p.Thr2477Met)

Gene: ACAN (aggrecan; plus strand). Cytogenetic location: 15q26.1.
Variant type: single nucleotide variant.
Coding change: c.7430C>T on transcript NM_001369268.1 (MANE Select); coding-DNA position 7430, C replaced by T.
Protein change: p.Thr2477Met; replaces threonine 2477 with methionine.
Molecular consequence: missense variant.
Genome position (GRCh38, 1-based): chr15:88,873,008, C>T. VCF-style: chr15-88873008-C-T. GRCh37 (hg19) VCF-style: chr15-89416239-C-T.
Other names: c.7202C>T, p.Thr2401Met (NM_001411096.1, NM_001135.4); c.7316C>T, p.Thr2439Met (NM_001411097.1, NM_013227.4); short protein forms T2439M, T2477M, T2401M.
Identifiers: ClinVar variation 1988562 (VCV001988562.4), dbSNP rs759677135, ClinGen allele CA7720674.